The following is an entry in ClinVar:

ClinVar aggregate classification (germline): Conflicting classifications of pathogenicity. Review status: criteria provided, conflicting classifications (1 of 4 stars). 2 submissions from 2 submitters: Pathogenic (1); Uncertain significance (1). Last evaluated 2025-02-25.

Conditions:
Cataract 1 multiple types. Also called: CATARACT, DUFFY-LINKED; CATARACT 1, POSTERIOR SUBCAPSULAR, WITH MICROCORNEA; CATARACT 1, STELLATE NUCLEAR, WITH MICROCORNEA; CATARACT 1, MULTIPLE TYPES, WITH OR WITHOUT MICROCORNEA; CATARACT 1, NUCLEAR PROGRESSIVE; CATARACT 1 WITH MICROCORNEA. Identifiers: Orphanet 1377, MedGen C1861828, MONDO:0007285, OMIM 116200.

Submissions (2):

Labcorp Genetics (formerly Invitae), Labcorp
Classification: Pathogenic for Cataract 1 multiple types. Last evaluated: 2025-02-25. Review status: criteria provided, single submitter. Criteria: Invitae Variant Classification Sherloc (09022015). Collection method: clinical testing. Allele origin: germline.
Comment: This sequence change replaces valine, which is neutral and non-polar, with alanine, which is neutral and non-polar, at codon 44 of the GJA8 protein (p.Val44Ala). This variant is not present in population databases (gnomAD no frequency). This missense change has been observed in individual(s) with autosomal dominant congenital cataracts (PMID: 25517998). It has also been observed to segregate with disease in related individuals. ClinVar contains an entry for this variant (Variation ID: 3253712). Invitae Evidence Modeling of protein sequence and biophysical properties (such as structural, functional, and spatial information, amino acid conservation, physicochemical variation, residue mobility, and thermodynamic stability) indicates that this missense variant is expected to disrupt GJA8 protein function with a positive predictive value of 80%. Experimental studies have shown that this missense change affects GJA8 function (PMID: 25517998). This variant disrupts the p.Val44 amino acid residue in GJA8. Other variant(s) that disrupt this residue have been determined to be pathogenic (PMID: 24968223, 30078984; internal data). This suggests that this residue is clinically significant, and that variants that disrupt this residue are likely to be disease-causing. For these reasons, this variant has been classified as Pathogenic.

Dept. Genetics and Cancer, Menzies Institute for Medical Research, University of Tasmania
Classification: Uncertain significance for Cataract 1 multiple types. Last evaluated: 2023-01-21. Review status: criteria provided, single submitter. Criteria: ACMG Guidelines, 2015. Collection method: curation. Allele origin: germline. Affected: yes.
Comment: Variant identified and curated during a GJA8 specific review of the literature in relation to pediatric or congenital cataract. ACMG-AMP criteria applied: PP1(Moderate), PM1(Supporting), PM2(Supporting), PP3. Original variant report: PMID:25970271. The cataract phenotype reported for this variant is: Nuclear. Gene review and curation guidelines are outlined in: DOI 10.1080/17469899.2023.2160320

Literature cited by the submitters: PubMed 25517998 (cited by Labcorp Genetics (formerly Invitae), Labcorp); PubMed 24968223 (cited by Labcorp Genetics (formerly Invitae), Labcorp); PubMed 30078984 (cited by Labcorp Genetics (formerly Invitae), Labcorp); PubMed 25970271 (cited by Dept. Genetics and Cancer, Menzies Institute for Medical Research, University of Tasmania).

NM_005267.5(GJA8):c.131T>C (p.Val44Ala)

Gene: GJA8 (gap junction protein alpha 8; plus strand). Cytogenetic location: 1q21.2.
Variant type: single nucleotide variant.
Coding change: c.131T>C on transcript NM_005267.5 (MANE Select); coding-DNA position 131, T replaced by C.
Protein change: p.Val44Ala; replaces valine 44 with alanine.
Molecular consequence: missense variant.
Genome position (GRCh38, 1-based): chr1:147,908,086, T>C. VCF-style: chr1-147908086-T-C. GRCh37 (hg19) VCF-style: chr1-147380213-T-C.
Other names: short protein forms V44A.
Identifiers: ClinVar variation 3253712 (VCV003253712.2), dbSNP rs80358204.